The following is an entry in ClinVar:

NM_001371727.1(GABRB2):c.1349G>C (p.Ser450Thr)

Gene: GABRB2 (gamma-aminobutyric acid type A receptor subunit beta2; minus strand). Cytogenetic location: 5q34.
Variant type: single nucleotide variant.
Coding change: c.1349G>C on transcript NM_001371727.1 (MANE Select); coding-DNA position 1349, G replaced by C.
Protein change: p.Ser450Thr; replaces serine 450 with threonine.
Molecular consequence: missense variant.
Genome position (GRCh38, 1-based): chr5:161,294,271, C>G on the plus strand (G>C on the coding strand, the complement: GABRB2 is on the minus strand). VCF-style: chr5-161294271-C-G. GRCh37 (hg19) VCF-style: chr5-160721278-C-G.
Other names: c.1235G>C, p.Ser412Thr (NM_000813.3); c.1349G>C, p.Ser450Thr (NM_021911.3); short protein forms S412T, S450T.
Identifiers: ClinVar variation 1054561 (VCV001054561.9), dbSNP rs61735410, ClinGen allele CA131016126.

ClinVar aggregate classification (germline): Uncertain significance (1 of 4 stars; one submission).

Conditions:
Intellectual disability. Also called: Intellectual functioning disability; Intellectual developmental disorder; intellectual disabilities. Identifiers: MedGen C3714756, MeSH D008607, MONDO:0001071, HP:0001249.

gnomAD v4.1: 25 of 1,614,032 alleles (0.0015%); highest among the groups gnomAD compares: African/African-American, 0.0027%; no homozygotes.

Submission:

Labcorp Genetics (formerly Invitae), Labcorp
Classification: Uncertain significance for Intellectual disability. Last evaluated: 2020-06-16. Review status: criteria provided, single submitter. Criteria: Invitae Variant Classification Sherloc (09022015). Collection method: clinical testing. Allele origin: germline.
Comment: This sequence change replaces serine with threonine at codon 450 of the GABRB2 protein (p.Ser450Thr). The serine residue is moderately conserved and there is a small physicochemical difference between serine and threonine. In summary, the available evidence is currently insufficient to determine the role of this variant in disease. Therefore, it has been classified as a Variant of Uncertain Significance. Algorithms developed to predict the effect of missense changes on protein structure and function output the following: SIFT: "Deleterious"; PolyPhen-2: "Benign"; Align-GVGD: "Class C0". The threonine amino acid residue is found in multiple mammalian species, suggesting that this missense change does not adversely affect protein function. These predictions have not been confirmed by published functional studies and their clinical significance is uncertain. This variant has not been reported in the literature in individuals with GABRB2-related conditions. This variant is not present in population databases (ExAC no frequency).